The following is an entry in ClinVar:

ClinVar aggregate classification (germline): Uncertain significance. Review status: criteria provided, multiple submitters, no conflicts (2 of 4 stars). 2 submissions from 2 submitters: Uncertain significance (2). Last evaluated 2025-11-25.

Conditions:
Familial cancer of breast. Also called: Hereditary breast cancer; hereditary breast carcinoma; BREAST CANCER, FAMILIAL. Identifiers: Orphanet 227535, MedGen C0346153, MONDO:0016419, OMIM 114480. Disease mechanism: loss of function.
Hereditary cancer-predisposing syndrome. Also called: Neoplastic Syndromes, Hereditary; Hereditary Cancer Syndrome; Hereditary neoplastic syndrome; Tumor predisposition. Identifiers: Orphanet 140162, MedGen C0027672, MeSH D009386, MONDO:0015356.

Submissions (2):

Ambry Genetics
Classification: Uncertain significance for Hereditary cancer-predisposing syndrome. Last evaluated: 2025-11-25. Review status: criteria provided, single submitter. Criteria: Ambry Variant Classification Scheme 2023. Collection method: clinical testing. Allele origin: germline.
Comment: The p.L354F variant (also known as c.1062A>C), located in coding exon 9 of the CHEK2 gene, results from an A to C substitution at nucleotide position 1062. The leucine at codon 354 is replaced by phenylalanine, an amino acid with highly similar properties. This amino acid position is conserved. In addition, this alteration is predicted to be deleterious by in silico analysis. Based on the available evidence, the clinical significance of this variant remains unclear.

Labcorp Genetics (formerly Invitae), Labcorp
Classification: Uncertain significance for Familial cancer of breast. Last evaluated: 2024-09-05. Review status: criteria provided, single submitter. Criteria: Invitae Variant Classification Sherloc (09022015). Collection method: clinical testing. Allele origin: germline.
Comment: This sequence change replaces leucine, which is neutral and non-polar, with phenylalanine, which is neutral and non-polar, at codon 354 of the CHEK2 protein (p.Leu354Phe). This variant is not present in population databases (gnomAD no frequency). This variant has not been reported in the literature in individuals affected with CHEK2-related conditions. ClinVar contains an entry for this variant (Variation ID: 934459). An algorithm developed to predict the effect of missense changes on protein structure and function (PolyPhen-2) suggests that this variant is likely to be disruptive. In summary, the available evidence is currently insufficient to determine the role of this variant in disease. Therefore, it has been classified as a Variant of Uncertain Significance.

NM_007194.4(CHEK2):c.1062A>C (p.Leu354Phe)

Gene: CHEK2 (checkpoint kinase 2; minus strand). Cytogenetic location: 22q12.1.
Variant type: single nucleotide variant.
Coding change: c.1062A>C on transcript NM_007194.4 (MANE Select); coding-DNA position 1062, A replaced by C.
Protein change: p.Leu354Phe; replaces leucine 354 with phenylalanine.
Molecular consequence: missense variant. On other transcripts: intron variant (3).
Genome position (GRCh38, 1-based): chr22:28,696,934, T>G on the plus strand (A>C on the coding strand, the complement: CHEK2 is on the minus strand). VCF-style: chr22-28696934-T-G. GRCh37 (hg19) VCF-style: chr22-29092922-T-G.
Other names: c.1191A>C, p.Leu397Phe (NM_001005735.3); c.399A>C, p.Leu133Phe (NM_001257387.3, NM_001437942.1); c.861A>C, p.Leu287Phe (NM_001349956.3); c.1155A>C, p.Leu385Phe (NM_001438293.1); c.1009-1061A>C (NM_145862.3); c.1102-1061A>C (NM_001438295.1); c.1138-1061A>C (NM_001438294.1); short protein forms L354F, L397F, L133F, L287F, L385F.
Identifiers: ClinVar variation 934459 (VCV000934459.11), dbSNP rs1427613188, ClinGen allele CA411097599.
Genomic context (GRCh38, chr22:28,696,934, plus strand): 5'-GCCACATACAGAATGCCAATTTCTTACCTTTATAAGACAGTCCTCTTCTTGAGATGACAG[T>G]AAAACATTCTCTGGCTTTAAGTCACGGTGTATAATACCGTTTTCATGAAGGTACTACACA-3'
Protein context (NP_009125.1, residues 344-364): IHRDLKPENV[Leu354Phe]LSSQEEDCLI